The following is an entry in ClinVar:

ClinVar aggregate classification (germline): Likely pathogenic (0 of 4 stars; one submission).

Conditions:
X-linked mixed hearing loss with perilymphatic gusher. Also called: NANCE DEAFNESS; PERILYMPHATIC GUSHER-DEAFNESS SYNDROME; SENSORINEURAL DEAFNESS, PROFOUND, WITH OR WITHOUT A CONDUCTIVE COMPONENT, ASSOCIATED WITH A UNIQUE DEVELOPMENTAL ABNORMALITY OF THE EAR; Deafness, X-linked 2; Gusher syndrome. Identifiers: Orphanet 383, MedGen C1844678, MONDO:0010576, OMIM 304400.

Submission:

Laboratory of Molecular Genetics, Montpellier University Hospital
Classification: Likely pathogenic for X-linked mixed hearing loss with perilymphatic gusher. Last evaluated: 2023-05-25. Review status: no assertion criteria provided. Collection method: clinical testing. Allele origin: germline. Affected: yes.
Comment: present in 2 affected male patients in one family

NM_000307.5(POU3F4):c.767T>C (p.Leu256Pro)

Gene: POU3F4 (POU class 3 homeobox 4; plus strand). Cytogenetic location: Xq21.1.
Variant type: single nucleotide variant.
Coding change: c.767T>C on transcript NM_000307.5 (MANE Select); coding-DNA position 767, T replaced by C.
Protein change: p.Leu256Pro; replaces leucine 256 with proline.
Molecular consequence: missense variant.
Genome position (GRCh38, 1-based): chrX:83,509,091, T>C. VCF-style: chrX-83509091-T-C. GRCh37 (hg19) VCF-style: chrX-82764099-T-C.
Other names: short protein forms L256P.
Identifiers: ClinVar variation 2505308 (VCV002505308.1), dbSNP rs2520216564, ClinGen allele CA413752275.